The following is an entry in ClinVar:

NM_002474.3(MYH11):c.3724G>A (p.Val1242Ile)

Gene: MYH11 (myosin heavy chain 11; minus strand). Cytogenetic location: 16p13.11.
Variant type: single nucleotide variant.
Coding change: c.3724G>A on transcript NM_002474.3 (MANE Select); coding-DNA position 3724, G replaced by A.
Protein change: p.Val1242Ile; replaces valine 1242 with isoleucine.
Molecular consequence: missense variant.
Genome position (GRCh38, 1-based): chr16:15,726,982, C>T on the plus strand (G>A on the coding strand, the complement: MYH11 is on the minus strand). VCF-style: chr16-15726982-C-T. GRCh37 (hg19) VCF-style: chr16-15820839-C-T.
Other names: c.3745G>A, p.Val1249Ile (NM_001040113.2, NM_001040114.2); c.3724G>A, p.Val1242Ile (NM_022844.3); short protein forms V1242I, V1249I.
Identifiers: ClinVar variation 1041625 (VCV001041625.11), dbSNP rs1399080640, ClinGen allele CA394860202.

ClinVar aggregate classification (germline): Uncertain significance. Review status: criteria provided, multiple submitters, no conflicts (2 of 4 stars). 3 submissions from 3 submitters: Uncertain significance (3). Last evaluated 2024-07-11.

Conditions:
Aortic aneurysm, familial thoracic 4 (AAT4). Also called: AORTIC ANEURYSM/AORTIC DISSECTION AND PATENT DUCTUS ARTERIOSUS. Identifiers: MedGen C1851504, MONDO:0007568, OMIM 132900.
Visceral myopathy 2. Identifiers: MedGen C5543466, MONDO:0859157, OMIM 619350.
Megacystis-microcolon-intestinal hypoperistalsis syndrome 2. Identifiers: MedGen C5543476, MONDO:0025708, OMIM 619351.
Familial thoracic aortic aneurysm and aortic dissection (TAAD). Also called: Thoracic aortic aneurysms and dissections. Identifiers: Orphanet 91387, MedGen C4707243, MONDO:0019625.

Allele frequency attached by ClinVar (database versions not stated): gnomAD 0.00001.

Submissions (3):

Labcorp Genetics (formerly Invitae), Labcorp
Classification: Uncertain significance for Aortic aneurysm, familial thoracic 4. Last evaluated: 2024-07-11. Review status: criteria provided, single submitter. Criteria: Invitae Variant Classification Sherloc (09022015). Collection method: clinical testing. Allele origin: germline.
Comment: This sequence change replaces valine, which is neutral and non-polar, with isoleucine, which is neutral and non-polar, at codon 1249 of the MYH11 protein (p.Val1249Ile). This variant is present in population databases (no rsID available, gnomAD 0.03%). This variant has not been reported in the literature in individuals affected with MYH11-related conditions. ClinVar contains an entry for this variant (Variation ID: 1041625). Advanced modeling of protein sequence and biophysical properties (such as structural, functional, and spatial information, amino acid conservation, physicochemical variation, residue mobility, and thermodynamic stability) performed at Invitae indicates that this missense variant is not expected to disrupt MYH11 protein function with a negative predictive value of 95%. In summary, the available evidence is currently insufficient to determine the role of this variant in disease. Therefore, it has been classified as a Variant of Uncertain Significance.

All of Us Research Program, National Institutes of Health
Classification: Uncertain significance for Familial thoracic aortic aneurysm and aortic dissection. Last evaluated: 2023-04-03. Review status: criteria provided, single submitter. Criteria: ACMG Guidelines, 2015. Collection method: clinical testing. Allele origin: germline. Inheritance: Autosomal dominant inheritance. Observed: 1 variant allele, 1 heterozygote.
Comment: This missense variant replaces valine with isoleucine at codon 1249 of the MYH11 protein. Computational prediction suggests that this variant may not impact protein structure and function (internally defined REVEL score threshold <= 0.5, PMID: 27666373). To our knowledge, functional studies have not been reported for this variant. This variant has not been reported in individuals affected with MYH11-related disorders in the literature. This variant has been identified in 1/31296 chromosomes in the general population by the Genome Aggregation Database (gnomAD). The available evidence is insufficient to determine the role of this variant in disease conclusively. Therefore, this variant is classified as a Variant of Uncertain Significance.

This study involves interpretation of variants in research participants for the purpose of population health screening. Participant phenotype was not available at the time of variant classification. Additional details can be found in publication PMID: 35346344, PMCID: PMC8962531

Fulgent Genetics
Classification: Uncertain significance for Aortic aneurysm, familial thoracic 4; Visceral myopathy 2; Megacystis-microcolon-intestinal hypoperistalsis syndrome 2. Last evaluated: 2021-10-25. Review status: criteria provided, single submitter. Criteria: ACMG Guidelines, 2015. Collection method: clinical testing. Allele origin: unknown.